The following is an entry in ClinVar:

ClinVar aggregate classification (germline): Uncertain significance (1 of 4 stars; one submission).

Conditions:
Cardiovascular phenotype. Identifiers: MedGen CN230736.
Hereditary cancer-predisposing syndrome. Also called: Neoplastic Syndromes, Hereditary; Tumor predisposition; Hereditary Cancer Syndrome; Hereditary neoplastic syndrome. Identifiers: Orphanet 140162, MedGen C0027672, MeSH D009386, MONDO:0015356.

Submission:

Ambry Genetics
Classification: Uncertain significance for Cardiovascular phenotype; Hereditary cancer-predisposing syndrome. Last evaluated: 2025-12-02. Review status: criteria provided, single submitter. Criteria: Ambry Variant Classification Scheme 2023. Collection method: clinical testing. Allele origin: germline.
Comment: The p.R561P variant (also known as c.1682G>C), located in coding exon 15 of the LZTR1 gene, results from a G to C substitution at nucleotide position 1682. The arginine at codon 561 is replaced by proline, an amino acid with dissimilar properties. This amino acid position is conserved. In addition, this alteration is predicted to be deleterious by in silico analysis. Based on the available evidence, the clinical significance of this variant remains unclear.

NM_006767.4(LZTR1):c.1682G>C (p.Arg561Pro)

Gene: LZTR1 (leucine zipper like post translational regulator 1; plus strand). Cytogenetic location: 22q11.21.
Variant type: single nucleotide variant.
Coding change: c.1682G>C on transcript NM_006767.4 (MANE Select); coding-DNA position 1682, G replaced by C.
Protein change: p.Arg561Pro; replaces arginine 561 with proline.
Molecular consequence: missense variant.
Genome position (GRCh38, 1-based): chr22:20,994,624, G>C. VCF-style: chr22-20994624-G-C. GRCh37 (hg19) VCF-style: chr22-21348913-G-C.
Other names: short protein forms R561P.
Identifiers: ClinVar variation 4615679 (VCV004615679.1).